The following is an entry in ClinVar:

NM_006231.4(POLE):c.6331-5_6331-4del

Gene: POLE (DNA polymerase epsilon, catalytic subunit; minus strand). Cytogenetic location: 12q24.33.
Variant type: Deletion.
Coding change: c.6331-5_6331-4del on transcript NM_006231.4 (MANE Select); 5 bases into the intron before coding-DNA position 6331 through 4 bases into the intron before coding-DNA position 6331, 2 bases deleted (TG; older notation c.6331-5_6331-4delTG).
Molecular consequence: intron variant.
Genome position (GRCh38, 1-based): chr12:132,626,321-132,626,322, CA deleted on the plus strand (TG on the coding strand, the reverse complement: POLE is on the minus strand). VCF-style (leftmost placement, unchanged base first): chr12-132626320-GCA-G. GRCh37 (hg19) VCF-style: chr12-133202906-GCA-G.
Identifiers: ClinVar variation 4825818 (VCV004825818.1).

ClinVar aggregate classification (germline): Uncertain significance (1 of 4 stars; one submission).

Conditions:
Hereditary cancer-predisposing syndrome. Also called: Neoplastic Syndromes, Hereditary; Tumor predisposition; Hereditary Cancer Syndrome; Hereditary neoplastic syndrome. Identifiers: Orphanet 140162, MedGen C0027672, MeSH D009386, MONDO:0015356.

Submission:

Ambry Genetics
Classification: Uncertain significance for Hereditary cancer-predisposing syndrome. Last evaluated: 2026-02-27. Review status: criteria provided, single submitter. Criteria: Ambry Variant Classification Scheme 2023. Collection method: clinical testing. Allele origin: germline.
Comment: The c.6331-5_6331-4delTG intronic variant, located in intron 45 of the POLE gene, results from a deletion of two nucleotides (TG) at positions 6331-5 and 6331-4 within intron 45 of the POLE gene. These nucleotide positions are not well conserved in available vertebrate species. In silico splice site analysis predicts that this alteration may result in the creation or strengthening of a novel splice acceptor site. Based on the available evidence, the clinical significance of this variant remains unclear.